The following is an entry in ClinVar:

ClinVar aggregate classification (germline): Pathogenic/Likely pathogenic. Review status: criteria provided, multiple submitters, no conflicts (2 of 4 stars). 5 submissions from 5 submitters: Pathogenic (2); Likely pathogenic (2). 1 of the submissions does not count toward it. Last evaluated 2025-09-10.

Conditions:
Developmental and epileptic encephalopathy, 85, with or without midline brain defects. Also called: EPILEPTIC ENCEPHALOPATHY, EARLY INFANTILE, 85, WITH OR WITHOUT MIDLINE BRAIN DEFECTS. Identifiers: MedGen C5393312, MONDO:0026771, OMIM 301044.
Mitochondrial DNA depletion syndrome 13. Also called: Mitochondrial DNA depletion syndrome 13 (encephalomyopathic type); FBXL4-Related Encephalomyopathic Mitochondrial DNA Depletion Syndrome. Identifiers: Orphanet 369897, MedGen C3809592, MONDO:0014198, OMIM 615471.

Allele frequency attached by ClinVar (database versions not stated): gnomAD exomes below 0.00001.
gnomAD v4.1: 1 of 1,603,746 alleles (0.000062%); highest among the groups gnomAD compares: Middle Eastern, 0.017%; no homozygotes.

Submissions (5):

Genomic Medicine Center of Excellence, King Faisal Specialist Hospital and Research Centre
Classification: Pathogenic for Developmental and epileptic encephalopathy, 85, with or without midline brain defects. Last evaluated: 2025-09-10. Review status: criteria provided, single submitter. Criteria: ACMG Guidelines, 2015. Collection method: clinical testing. Allele origin: germline.

Institute of Human Genetics Munich, TUM University Hospital
Classification: Pathogenic for Mitochondrial DNA depletion syndrome 13. Last evaluated: 2017-11-16. Review status: criteria provided, single submitter. Criteria: Classification criteria August 2017. Collection method: clinical testing. Allele origin: germline. Inheritance: Autosomal recessive inheritance. Affected: yes. Observed: 1 compound heterozygote.

Wong Mito Lab, Molecular and Human Genetics, Baylor College of Medicine
Classification: Likely pathogenic for Mitochondrial DNA depletion syndrome 13. Last evaluated: 2017-08-10. Review status: criteria provided, single submitter. Criteria: ACMG Guidelines, 2015. Collection method: clinical testing. Allele origin: germline. Affected: yes.
Comment: The NM_012160.4:c.1703G>C (NP_036292.2:p.Gly568Ala) [GRCH38: NC_000006.12:g.98874441C>G] variant in FBXL4 gene is interpretated to be a Likely Pathogenic based on ACMG guidelines (PMID: 25741868). This variant has been reported in PMID:23993194 ; 25868664 ; 27743463 . This variant meets one or more of the following evidence codes reported in the ACMG-guideline. PM2:This variant is absent in key population databases. PM3:Detected in trans with a pathogenic variant for Mitochondrial DNA depletion syndrome 13 which is a recessive disorder. PP2:This is a missense variant in FBXL4 with a low rate of benign and high rate of pathogenic missense variations. PP3:Computational evidence/predictors indicate the variant has deleterious effect on FBXL4 structure, function, or protein-protein interaction. PP4:Patientâ€™s phenotype or family history is highly specific for FBXL4. PP5:Reputable source(s) suggest that the variant is pathogenic. Based on this evidence code ClinGen Pathogenicity Calculator (PMID:28081714) suggested that the variant is Likely Pathogenic.

3billion
Classification: Likely pathogenic for Mitochondrial DNA depletion syndrome 13. Review status: criteria provided, single submitter. Criteria: ACMG Guidelines, 2015. Collection method: clinical testing. Allele origin: unknown. Affected: yes. Observed: 1 homozygote.
Comment: The missense variant is not observed in the gnomAD v2.1.1 dataset. In silico tool predictions suggest damaging effect of the variant on gene or gene product (REVEL: 0.52; 3Cnet: 0.96). The same nucleotide change resulting in the same amino acid change has been previously reported as pathogenic/likely pathogenic with strong evidence (ClinVar ID: VCV000066092/PMID: 23993194). The variant has been reported to be in trans with a pathogenic variant as either compound heterozygous or homozygous in at least one similarly affected unrelated individual (PMID: 23993194, 25868664, 27743463). Therefore, this variant is classified as likely pathogenic according to the recommendation of ACMG/AMP guideline.

OMIM
Classification: Pathogenic for MITOCHONDRIAL DNA DEPLETION SYNDROME 13 (ENCEPHALOMYOPATHIC TYPE). Last evaluated: 2013-09-05. Review status: no assertion criteria provided. Collection method: literature only. Allele origin: germline. Not counted in ClinVar's aggregate classification.

Literature cited by the submitters: PubMed 23993194 (cited by 3 submitters); PubMed 25868664 (cited by Wong Mito Lab, Molecular and Human Genetics, Baylor College of Medicine and 3billion); PubMed 27743463 (cited by Wong Mito Lab, Molecular and Human Genetics, Baylor College of Medicine and 3billion).

NM_001278716.2(FBXL4):c.1703G>C (p.Gly568Ala)

Gene: FBXL4 (F-box and leucine rich repeat protein 4; minus strand). Cytogenetic location: 6q16.1.
Variant type: single nucleotide variant.
Coding change: c.1703G>C on transcript NM_001278716.2 (MANE Select); coding-DNA position 1703, G replaced by C.
Protein change: p.Gly568Ala; replaces glycine 568 with alanine.
Molecular consequence: missense variant. On other transcripts: non-coding transcript variant (1).
Genome position (GRCh38, 1-based): chr6:98,874,441, C>G on the plus strand (G>C on the coding strand, the complement: FBXL4 is on the minus strand). VCF-style: chr6-98874441-C-G. GRCh37 (hg19) VCF-style: chr6-99322317-C-G.
Other names: c.1703G>C, p.Gly568Ala (NM_012160.5); short protein forms G568A.
Identifiers: ClinVar variation 66092 (VCV000066092.6), dbSNP rs398123060, ClinGen allele CA144889.